The following is an entry in ClinVar:

ClinVar aggregate classification (germline): Benign. Review status: criteria provided, multiple submitters, no conflicts (2 of 4 stars). 3 submissions from 3 submitters: Benign (3). Last evaluated 2020-10-14.

Conditions:
Hidrotic ectodermal dysplasia syndrome (GJB6). Also called: Hidrotic ectodermal dysplasia; Ectodermal dysplasia 2, hidrotic; Autosomal dominant hidrotic ectodermal dysplasia; Clouston syndrome; Clouston's hidrotic ectodermal dysplasia; CLOUSTON HIDROTIC ECTODERMAL DYSPLASIA. Identifiers: Orphanet 189, MedGen C0162361, MONDO:0007510, OMIM 129500.

Allele frequency attached by ClinVar (database versions not stated): 1000 Genomes Project 0.02416; gnomAD 0.01620 and 0.01720; TOPMed 0.01806; 1000 Genomes Project 30x 0.02608.

Submissions (3):

GeneDx
Classification: Benign. Last evaluated: 2020-10-14. Review status: criteria provided, single submitter. Criteria: GeneDx Variant Classification Process June 2021. Collection method: clinical testing. Allele origin: germline. Affected: yes.

Illumina Laboratory Services, Illumina
Classification: Benign for Hidrotic ectodermal dysplasia syndrome. Last evaluated: 2018-01-13. Review status: criteria provided, single submitter. Criteria: ICSL Variant Classification Criteria 13 December 2019. Collection method: clinical testing. Allele origin: germline.
Comment: This variant was observed in the ICSL laboratory as part of a predisposition screen in an ostensibly healthy population. It had not been previously curated by ICSL or reported in the Human Gene Mutation Database (HGMD: prior to June 1st, 2018), and was therefore a candidate for classification through an automated scoring system. Utilizing variant allele frequency, disease prevalence and penetrance estimates, and inheritance mode, an automated score was calculated to assess if this variant is too frequent to cause the disease. Based on the score and internal cut-off values, a variant classified as benign is not then subjected to further curation. The score for this variant resulted in a classification of benign for this disease.

Breakthrough Genomics
Classification: Benign. Review status: criteria provided, single submitter. Criteria: ACMG Guidelines, 2015. Collection method: not provided. Allele origin: germline. Inheritance: Autosomal recessive inheritance. Affected: yes.

NM_001110219.3(GJB6):c.-105T>A

Gene: GJB6 (gap junction protein beta 6; minus strand). Cytogenetic location: 13q12.11.
Variant type: single nucleotide variant.
Coding change: c.-105T>A on transcript NM_001110219.3 (MANE Select); 105 bases upstream of the start codon, T replaced by A.
Molecular consequence: 5 prime UTR variant.
Genome position (GRCh38, 1-based): chr13:20,229,669, A>T on the plus strand (T>A on the coding strand, the complement: GJB6 is on the minus strand). VCF-style: chr13-20229669-A-T. GRCh37 (hg19) VCF-style: chr13-20803808-A-T.
Other names: c.-105T>A (NM_001110220.3, NM_001110221.3, NM_001370090.1 and 3 more transcripts).
Identifiers: ClinVar variation 311386 (VCV000311386.7), dbSNP rs114639494, ClinGen allele CA10639111.